The following is an entry in ClinVar:

ClinVar aggregate classification (germline): Pathogenic/Likely pathogenic. Review status: criteria provided, multiple submitters, no conflicts (2 of 4 stars). 2 submissions from 2 submitters: Pathogenic (1); Likely pathogenic (1). Last evaluated 2022-04-21.

Conditions:
Granulomatous disease, chronic, X-linked. Also called: CYTOCHROME b-NEGATIVE GRANULOMATOUS DISEASE, CHRONIC, X-LINKED; GRANULOMATOUS DISEASE, CHRONIC, X-LINKED, SOMATIC MOSAIC. Identifiers: Orphanet 379, MedGen C1844376, MONDO:0010600, OMIM 306400.

Submissions (2):

Women's Health and Genetics/Laboratory Corporation of America, LabCorp
Classification: Likely pathogenic for Granulomatous disease, chronic, X-linked. Last evaluated: 2022-04-21. Review status: criteria provided, single submitter. Criteria: LabCorp Variant Classification Summary - May 2015. Collection method: clinical testing. Allele origin: germline.
Comment: Variant summary: CYBB c.1629_1630delinsCT (p.Glu544X) results in a premature termination codon, predicted to cause a truncation of the encoded protein or absence of the protein due to nonsense mediated decay, which are commonly known mechanisms for disease. Truncations downstream of this position have been classified as pathogenic by our laboratory. The variant was absent in 182929 control chromosomes. To our knowledge, no occurrence of c.1629_1630delinsCT in individuals affected with X-Linked Chronic Granulomatous Disease and no experimental evidence demonstrating its impact on protein function have been reported. No clinical diagnostic laboratories have submitted clinical-significance assessments for this variant to ClinVar after 2014. Based on the evidence outlined above, the variant was classified as likely pathogenic.

Labcorp Genetics (formerly Invitae), Labcorp
Classification: Pathogenic for Granulomatous disease, chronic, X-linked. Last evaluated: 2022-03-24. Review status: criteria provided, single submitter. Criteria: Invitae Variant Classification Sherloc (09022015). Collection method: clinical testing. Allele origin: germline.
Comment: This sequence change creates a premature translational stop signal (p.Glu544*) in the CYBB gene. While this is not anticipated to result in nonsense mediated decay, it is expected to disrupt the last 27 amino acid(s) of the CYBB protein. For these reasons, this variant has been classified as Pathogenic. This variant disrupts a region of the CYBB protein in which other variant(s) (p.Glu568Lys) have been determined to be pathogenic (PMID: 10627478, 20724480; Invitae). This suggests that this is a clinically significant region of the protein, and that variants that disrupt it are likely to be disease-causing. This variant has not been reported in the literature in individuals affected with CYBB-related conditions. Information on the frequency of this variant in the gnomAD database is not available, as this variant may be reported differently in the database.

Literature cited by the submitters: PubMed 10627478 (cited by Labcorp Genetics (formerly Invitae), Labcorp); PubMed 20724480 (cited by Labcorp Genetics (formerly Invitae), Labcorp).

NM_000397.4(CYBB):c.1629_1630delinsCT (p.Glu544Ter)

Gene: CYBB (cytochrome b-245 beta chain; plus strand). Cytogenetic location: Xp11.4.
Variant type: Indel.
Coding change: c.1629_1630delinsCT on transcript NM_000397.4 (MANE Select); coding-DNA positions 1629 to 1630, TG replaced by CT.
Protein change: p.Glu544Ter; replaces glutamic acid 544 with a stop codon.
Molecular consequence: nonsense.
Genome position (GRCh38, 1-based): chrX:37,810,833-37,810,834, TG replaced by CT. VCF-style: chrX-37810833-TG-CT. GRCh37 (hg19) VCF-style: chrX-37670086-TG-CT.
Other names: short protein forms E544*.
Identifiers: ClinVar variation 1683245 (VCV001683245.6), dbSNP rs2146822029, ClinGen allele CA2573158652.